The following is an entry in ClinVar:

NM_000069.3(CACNA1S):c.93G>C (p.Leu31Phe)

Gene: CACNA1S (calcium voltage-gated channel subunit alpha1 S; minus strand). Cytogenetic location: 1q32.1.
Variant type: single nucleotide variant.
Coding change: c.93G>C on transcript NM_000069.3 (MANE Select); coding-DNA position 93, G replaced by C.
Protein change: p.Leu31Phe; replaces leucine 31 with phenylalanine.
Molecular consequence: missense variant.
Genome position (GRCh38, 1-based): chr1:201,112,247, C>G on the plus strand (G>C on the coding strand, the complement: CACNA1S is on the minus strand). VCF-style: chr1-201112247-C-G. GRCh37 (hg19) VCF-style: chr1-201081375-C-G.
Other names: short protein forms L31F.
Identifiers: ClinVar variation 474008 (VCV000474008.48), dbSNP rs556751671, ClinGen allele CA084070.

ClinVar aggregate classification (germline): Conflicting classifications of pathogenicity. Review status: criteria provided, conflicting classifications (1 of 4 stars). 6 submissions from 6 submitters: Uncertain significance (4); Likely benign (2). Last evaluated 2025-12-04.

Conditions:
Hypokalemic periodic paralysis, type 1. Also called: HypoPP; Hypokalemic Periodic Paralysis Type 1 (AD). Identifiers: Orphanet 681, MedGen C3714580, MONDO:0042979, OMIM 170400.
Malignant hyperthermia, susceptibility to, 5 (MHS5). Also called: CACNA1S-Related Malignant Hyperthermia Susceptibility. Identifiers: Orphanet 423, MedGen C1866077, MONDO:0011163, OMIM 601887.
Thyrotoxic periodic paralysis, susceptibility to, 1 (TTPP1). Identifiers: Orphanet 79102, MedGen C2749982, MONDO:0008570, OMIM 188580.
Inborn genetic diseases. Identifiers: MedGen C0950123, MeSH D030342.

Allele frequency attached by ClinVar (database versions not stated): ExAC 0.00007; TOPMed 0.00012; gnomAD 0.00013; 1000 Genomes Project 0.00020; 1000 Genomes Project 30x 0.00031.

Submissions (6):

Ambry Genetics
Classification: Uncertain significance for Inborn genetic diseases. Last evaluated: 2025-12-04. Review status: criteria provided, single submitter. Criteria: Ambry Variant Classification Scheme 2023. Collection method: clinical testing. Allele origin: germline.

Labcorp Genetics (formerly Invitae), Labcorp
Classification: Likely benign for Hypokalemic periodic paralysis, type 1; Malignant hyperthermia, susceptibility to, 5. Last evaluated: 2025-12-03. Review status: criteria provided, single submitter. Criteria: Invitae Variant Classification Sherloc (09022015). Collection method: clinical testing. Allele origin: germline.

Revvity Omics, Revvity
Classification: Uncertain significance. Last evaluated: 2024-11-07. Review status: criteria provided, single submitter. Criteria: ACMG Guidelines, 2015. Collection method: clinical testing. Allele origin: germline.

CeGaT Center for Human Genetics Tuebingen
Classification: Likely benign. Last evaluated: 2024-06-01. Review status: criteria provided, single submitter. Criteria: CeGaT Center For Human Genetics Tuebingen Variant Classification Criteria Version 2. Collection method: clinical testing. Allele origin: germline. Affected: yes. Observed: 2 variant alleles.
Comment: CACNA1S: BS2

Color Diagnostics, LLC DBA Color Health
Classification: Uncertain significance for Malignant hyperthermia, susceptibility to, 5. Last evaluated: 2023-11-08. Review status: criteria provided, single submitter. Criteria: ACMG Guidelines, 2015. Collection method: clinical testing. Allele origin: germline.
Comment: This missense variant replaces leucine with phenylalanine at codon 31 of the CACNA1S protein. Computational prediction is inconclusive regarding the impact of this variant on protein structure and function. To our knowledge, functional studies have not been reported for this variant. This variant has not been reported in individuals affected with CACNA1S-related disorders in the literature. This variant has been identified in 23/282824 chromosomes in the general population by the Genome Aggregation Database (gnomAD). The available evidence is insufficient to determine the role of this variant in disease conclusively. Therefore, this variant is classified as a Variant of Uncertain Significance.

Fulgent Genetics
Classification: Uncertain significance for Hypokalemic periodic paralysis, type 1; Thyrotoxic periodic paralysis, susceptibility to, 1; Malignant hyperthermia, susceptibility to, 5. Last evaluated: 2018-10-31. Review status: criteria provided, single submitter. Criteria: ACMG Guidelines, 2015. Collection method: clinical testing. Allele origin: unknown.